The following is an entry in ClinVar:

ClinVar aggregate classification (germline): Uncertain significance (1 of 4 stars; one submission).

Submission:

Ambry Genetics
Classification: Uncertain significance. Last evaluated: 2024-05-24. Review status: criteria provided, single submitter. Criteria: Ambry Variant Classification Scheme 2023. Collection method: clinical testing. Allele origin: germline.
Comment: The p.V904L variant (also known as c.2710G>C), located in coding exon 24 of the PRKDC gene, results from a G to C substitution at nucleotide position 2710. The valine at codon 904 is replaced by leucine, an amino acid with highly similar properties. This amino acid position is conserved. In addition, this alteration is predicted to be tolerated by in silico analysis. Based on the available evidence, the clinical significance of this variant remains unclear.

NM_006904.7(PRKDC):c.2710G>C (p.Val904Leu)

Gene: PRKDC (protein kinase, DNA-activated, catalytic subunit; minus strand). Cytogenetic location: 8q11.21.
Variant type: single nucleotide variant.
Coding change: c.2710G>C on transcript NM_006904.7 (MANE Select); coding-DNA position 2710, G replaced by C.
Protein change: p.Val904Leu; replaces valine 904 with leucine.
Molecular consequence: missense variant.
Genome position (GRCh38, 1-based): chr8:47,913,972, C>G on the plus strand (G>C on the coding strand, the complement: PRKDC is on the minus strand). VCF-style: chr8-47913972-C-G. GRCh37 (hg19) VCF-style: chr8-48826532-C-G.
Other names: c.2710G>C, p.Val904Leu (NM_001081640.2); short protein forms V904L.
Identifiers: ClinVar variation 3310159 (VCV003310159.1).